The following is an entry in ClinVar:

ClinVar aggregate classification (germline): Uncertain significance (1 of 4 stars; one submission).

Conditions:
Chédiak-Higashi syndrome (CHS). Also called: Chediak-Higashi Syndrome. Identifiers: Orphanet 167, MedGen C0007965, MONDO:0008963, OMIM 214500.

Submission:

Labcorp Genetics (formerly Invitae), Labcorp
Classification: Uncertain significance for Chédiak-Higashi syndrome. Last evaluated: 2025-09-05. Review status: criteria provided, single submitter. Criteria: Invitae Variant Classification Sherloc (09022015). Collection method: clinical testing. Allele origin: germline.
Comment: This sequence change replaces glutamic acid, which is acidic and polar, with glycine, which is neutral and non-polar, at codon 266 of the LYST protein (p.Glu266Gly). This variant is not present in population databases (gnomAD no frequency). This variant has not been reported in the literature in individuals affected with LYST-related conditions. ClinVar contains an entry for this variant (Variation ID: 2127784). Invitae Evidence Modeling of protein sequence and biophysical properties (such as structural, functional, and spatial information, amino acid conservation, physicochemical variation, residue mobility, and thermodynamic stability) indicates that this missense variant is not expected to disrupt LYST protein function with a negative predictive value of 80%. In summary, the available evidence is currently insufficient to determine the role of this variant in disease. Therefore, it has been classified as a Variant of Uncertain Significance.

NM_000081.4(LYST):c.797A>G (p.Glu266Gly)

Gene: LYST (lysosomal trafficking regulator; minus strand). Cytogenetic location: 1q42.3.
Variant type: single nucleotide variant.
Coding change: c.797A>G on transcript NM_000081.4 (MANE Select); coding-DNA position 797, A replaced by G.
Protein change: p.Glu266Gly; replaces glutamic acid 266 with glycine.
Molecular consequence: missense variant.
Genome position (GRCh38, 1-based): chr1:235,810,021, T>C on the plus strand (A>G on the coding strand, the complement: LYST is on the minus strand). VCF-style: chr1-235810021-T-C. GRCh37 (hg19) VCF-style: chr1-235973321-T-C.
Other names: c.797A>G, p.Glu266Gly (NM_001301365.1); short protein forms E266G.
Identifiers: ClinVar variation 2127784 (VCV002127784.4), dbSNP rs1673292116, ClinGen allele CA344964242.